The following is an entry in ClinVar:

NM_001458.5(FLNC):c.5892C>T (p.Asp1964=)

Genes: FLNC (filamin C; plus strand), FLNC-AS1 (FLNC antisense RNA 1; minus strand). Cytogenetic location: 7q32.1.
Variant type: single nucleotide variant.
Coding change: c.5892C>T on transcript NM_001458.5 (MANE Select); coding-DNA position 5892, C replaced by T.
Protein change: p.Asp1964=; no amino-acid change (aspartic acid 1964 retained).
Molecular consequence: synonymous variant.
Genome position (GRCh38, 1-based): chr7:128,852,640, C>T. VCF-style: chr7-128852640-C-T. GRCh37 (hg19) VCF-style: chr7-128492694-C-T.
Other names: c.5793C>T, p.Asp1931= (NM_001127487.2).
Identifiers: ClinVar variation 472115 (VCV000472115.19), dbSNP rs747546440, ClinGen allele CA4475827.

ClinVar aggregate classification (germline): Benign/Likely benign. Review status: criteria provided, multiple submitters, no conflicts (2 of 4 stars). 5 submissions from 5 submitters: Benign (2); Likely benign (2). 1 of the submissions does not count toward it. Last evaluated 2026-01-31.

Conditions:
Myofibrillar myopathy 5. Also called: FILAMINOPATHY, AUTOSOMAL DOMINANT; Filaminopathy (type). Identifiers: Orphanet 171445, MedGen C1836050, MONDO:0012289, OMIM 609524.
Distal myopathy with posterior leg and anterior hand involvement. Also called: WILLIAMS DISTAL MYOPATHY. Identifiers: Orphanet 63273, MedGen C3279722, MONDO:0013550, OMIM 614065.
Hypertrophic cardiomyopathy 26. Also called: Cardiomyopathy, familial hypertrophic, 26. Identifiers: Orphanet 75249, MedGen C4310749, MONDO:0014883, OMIM 617047.
FLNC-related disorder. Also called: FLNC-related disorders; FLNC-related condition.
Cardiovascular phenotype. Identifiers: MedGen CN230736.

Allele frequency attached by ClinVar (database versions not stated): gnomAD exomes 0.00006 and 0.00022; gnomAD 0.00011; TOPMed 0.00014; ExAC 0.00020.
gnomAD v4.1: 101 of 1,613,164 alleles (0.0063%); highest among the groups gnomAD compares: Admixed American, 0.075%; no homozygotes.

Submissions (5):

Labcorp Genetics (formerly Invitae), Labcorp
Classification: Benign for Distal myopathy with posterior leg and anterior hand involvement; Myofibrillar myopathy 5; Hypertrophic cardiomyopathy 26. Last evaluated: 2026-01-31. Review status: criteria provided, single submitter. Criteria: Invitae Variant Classification Sherloc (09022015). Collection method: clinical testing. Allele origin: germline.

Blueprint Genetics
Classification: Likely benign. Last evaluated: 2023-10-19. Review status: criteria provided, single submitter. Criteria: ACMG Guidelines, 2015. Collection method: clinical testing. Allele origin: germline.

Ambry Genetics
Classification: Likely benign for Cardiovascular phenotype. Last evaluated: 2022-03-03. Review status: criteria provided, single submitter. Criteria: Ambry Variant Classification Scheme 2023. Collection method: clinical testing. Allele origin: germline.

GeneDx
Classification: Benign. Last evaluated: 2019-12-10. Review status: criteria provided, single submitter. Criteria: GeneDx Variant Classification Process June 2021. Collection method: clinical testing. Allele origin: germline. Affected: yes.

PreventionGenetics, part of Exact Sciences
Classification: Likely benign for FLNC-related condition. Last evaluated: 2024-09-06. Review status: no assertion criteria provided. Collection method: clinical testing. Allele origin: germline. Not counted in ClinVar's aggregate classification.
Comment: This variant is classified as likely benign based on ACMG/AMP sequence variant interpretation guidelines (Richards et al. 2015 PMID: 25741868, with internal and published modifications).